The following is an entry in ClinVar:

ClinVar aggregate classification (germline): Likely pathogenic (1 of 4 stars; one submission).

Conditions:
Smith-Lemli-Opitz syndrome (SLOS). Also called: LETHAL ACRODYSGENITAL SYNDROME; POLYDACTYLY, SEX REVERSAL, RENAL HYPOPLASIA, AND UNILOBAR LUNG; RSH SYNDROME; RUTLEDGE LETHAL MULTIPLE CONGENITAL ANOMALY SYNDROME; 7-Dehydrocholesterol reductase deficiency. Identifiers: Orphanet 818, MedGen C0175694, MONDO:0010035, OMIM 270400.

Submission:

Natera, Inc.
Classification: Likely pathogenic for Smith-Lemli-Opitz syndrome. Last evaluated: 2025-09-07. Review status: criteria provided, single submitter. Criteria: Natera Variant Classification Schema (03/2026). Collection method: clinical testing. Allele origin: germline.
Comment: The c.258G>A variant in DHCR7 is a nonsense variant predicted to introduce a stop codon at amino acid 86. This variant is expected to result in nonsense mediated decay, truncation, or a dysfunctional protein product. This variant is rare in the general population with a frequency below the threshold expected for the associated phenotype(s). Given the available evidence, this variant is classified as Likely Pathogenic.

NM_001360.3(DHCR7):c.258G>A (p.Trp86Ter)

Gene: DHCR7 (7-dehydrocholesterol reductase; minus strand). Cytogenetic location: 11q13.4.
Variant type: single nucleotide variant.
Coding change: c.258G>A on transcript NM_001360.3 (MANE Select); coding-DNA position 258, G replaced by A.
Protein change: p.Trp86Ter; replaces tryptophan 86 with a stop codon.
Molecular consequence: nonsense.
Genome position (GRCh38, 1-based): chr11:71,444,056, C>T on the plus strand (G>A on the coding strand, the complement: DHCR7 is on the minus strand). VCF-style: chr11-71444056-C-T. GRCh37 (hg19) VCF-style: chr11-71155102-C-T.
Other names: c.258G>A, p.Trp86Ter (NM_001425109.1, NM_001425110.1, NM_001425111.1 and 8 more transcripts); c.162G>A, p.Trp54Ter (NM_001425113.1, NM_001425114.1, NM_001425116.1); c.84G>A, p.Trp28Ter (NM_001425117.1); short protein forms W28*, W54*, W86*.
Identifiers: ClinVar variation 4814819 (VCV004814819.1).
Genomic context (GRCh38, chr11:71,444,056, plus strand): 5'-GAAGGTGACCCACAAGGTATAGAGCTGGGCGGCTTTCCTCGTTATAGGTGGAGTCTTGGC[C>T]CAGATGTCCGAGAGCCGAGCATGTCCGGTGACGATGTCCACCACAGGGCCAGTCAGGGCG-3'